The following is an entry in ClinVar:

ClinVar aggregate classification (germline): Pathogenic (1 of 4 stars; one submission).

Conditions:
Telangiectasia, hereditary hemorrhagic, type 2 (HHT2). Also called: ACVRL1-Related Hereditary Hemorrhagic Telangiectasia; Telangiectasia, hereditary hemorrhagic, type II. Identifiers: Orphanet 774, MedGen C1838163, MONDO:0010880, OMIM 600376. Disease mechanism: loss of function.

Submission:

Labcorp Genetics (formerly Invitae), Labcorp
Classification: Pathogenic for Telangiectasia, hereditary hemorrhagic, type 2. Last evaluated: 2017-07-16. Review status: criteria provided, single submitter. Criteria: Invitae Variant Classification Sherloc (09022015). Collection method: clinical testing. Allele origin: germline.
Comment: For these reasons, this variant has been classified as Pathogenic. Loss-of-function variants in ACVRL1 are known to be pathogenic (PMID: 15879500). This variant has not been reported in the literature in individuals with ACVRL1-related disease. This variant is not present in population databases (ExAC no frequency). This sequence change creates a premature translational stop signal (p.Ser238Alafs*20) in the ACVRL1 gene. It is expected to result in an absent or disrupted protein product.

Literature cited by the submitters: PubMed 15879500.

NM_000020.3(ACVRL1):c.711_713delinsAG (p.Ser238fs)

Gene: ACVRL1 (activin A receptor like type 1; plus strand). Cytogenetic location: 12q13.13.
Variant type: Indel.
Coding change: c.711_713delinsAG on transcript NM_000020.3 (MANE Select); coding-DNA positions 711 to 713, GTC replaced by AG.
Protein change: p.Ser238fs; shifts the reading frame from serine 238.
Molecular consequence: frameshift variant.
Genome position (GRCh38, 1-based): chr12:51,914,524-51,914,526, GTC replaced by AG. VCF-style: chr12-51914524-GTC-AG. GRCh37 (hg19) VCF-style: chr12-52308308-GTC-AG.
Other names: c.711_713delinsAG, p.Ser238fs (NM_001077401.2); short protein forms S238fs.
Identifiers: ClinVar variation 464769 (VCV000464769.5), dbSNP rs1555152935, ClinGen allele CA658656305.
Genomic context (GRCh38, chr12:51,914,524, plus strand): 5'-GCGGGGCTTGTGGCACGGTGAGAGTGTGGCCGTCAAGATCTTCTCCTCGAGGGATGAACA[GTC>AG]CTGGTTCCGGGAGACTGAGATCTATAACACAGTGTTGCTCAGACACGACAACATCCTAGG-3'